The following is an entry in ClinVar:

ClinVar aggregate classification (germline): Uncertain significance (1 of 4 stars; one submission).

Submission:

Labcorp Genetics (formerly Invitae), Labcorp
Classification: Uncertain significance. Last evaluated: 2025-02-13. Review status: criteria provided, single submitter. Criteria: Invitae Variant Classification Sherloc (09022015). Collection method: clinical testing. Allele origin: germline.
Comment: This variant, c.46_48dup, results in the insertion of 1 amino acid(s) of the WDR62 protein (p.Glu16dup), but otherwise preserves the integrity of the reading frame. This variant is not present in population databases (gnomAD no frequency). This variant has not been reported in the literature in individuals affected with WDR62-related conditions. In summary, the available evidence is currently insufficient to determine the role of this variant in disease. Therefore, it has been classified as a Variant of Uncertain Significance.

NM_001083961.2(WDR62):c.46_48dup (p.Glu16_Lys17insGlu)

Gene: WDR62 (WD repeat domain 62; plus strand). Cytogenetic location: 19q13.12.
Variant type: Duplication.
Coding change: c.46_48dup on transcript NM_001083961.2 (MANE Select); coding-DNA positions 46 to 48, 3 bases duplicated (GAG; older notation c.46_48dupGAG).
Protein change: p.Glu16_Lys17insGlu.
Molecular consequence: inframe insertion.
Genome position (GRCh38, 1-based): chr19:36,055,017-36,055,019, GAG duplicated; duplicating any 3 consecutive bases within chr19:36,055,016-36,055,019 gives the same sequence; the c. name uses the placement nearest the transcript's 3' end. VCF-style (leftmost placement, unchanged base first): chr19-36055015-G-GGGA. GRCh37 (hg19) VCF-style: chr19-36545917-G-GGGA.
Other names: c.46_48dup, p.Glu16_Lys17insGlu (NM_001411145.1, NM_001411146.1, NM_001411147.1 and 1 more transcripts).
Identifiers: ClinVar variation 4713029 (VCV004713029.1).